The following is an entry in ClinVar:

ClinVar aggregate classification (germline): Uncertain significance (1 of 4 stars; one submission).

Submission:

GeneDx
Classification: Uncertain significance. Last evaluated: 2024-09-29. Review status: criteria provided, single submitter. Criteria: GeneDx Variant Classification Process June 2021. Collection method: clinical testing. Allele origin: germline. Affected: yes.
Comment: De novo variant in a patient with autism; however, further clinical information was not provided, and this individual also harbored de novo variants in other genes potentially related to the phenotype (PMID: 35982160); Not observed at significant frequency in large population cohorts (gnomAD); In silico analysis indicates that this missense variant does not alter protein structure/function; This variant is associated with the following publications: (PMID: 35982159, 35982160)

NM_006545.5(NPRL2):c.425C>T (p.Ser142Leu)

Gene: NPRL2 (NPR2 like, GATOR1 complex subunit; minus strand). Cytogenetic location: 3p21.31.
Variant type: single nucleotide variant.
Coding change: c.425C>T on transcript NM_006545.5 (MANE Select); coding-DNA position 425, C replaced by T.
Protein change: p.Ser142Leu; replaces serine 142 with leucine.
Molecular consequence: missense variant.
Genome position (GRCh38, 1-based): chr3:50,349,409, G>A on the plus strand (C>T on the coding strand, the complement: NPRL2 is on the minus strand). VCF-style: chr3-50349409-G-A. GRCh37 (hg19) VCF-style: chr3-50386840-G-A.
Other names: short protein forms S142L.
Identifiers: ClinVar variation 3774610 (VCV003774610.1).
Genomic context (GRCh38, chr3:50,349,409, plus strand): 5'-TCTACCCCTCTGCTGTCCTTGCAGAGGCTGGCCATACCAATGGGCAGAGTGCACCGGCCT[G>A]AGGCATTTAGCTCCTCCAGCAAGATGGTCATGATGGGCACCAACTTCTGCTTGCTCTCCT-3'
Protein context (NP_006536.3, residues 132-152): MTILLEELNA[Ser142Leu]GRCTLPIDES